The following is an entry in ClinVar:

ClinVar aggregate classification (germline): Likely benign (1 of 4 stars; one submission).

gnomAD v4.1: 98 of 1,607,606 alleles (0.0061%); highest among the groups gnomAD compares: East Asian, 0.2%; no homozygotes.

Submission:

CeGaT Center for Human Genetics Tuebingen
Classification: Likely benign. Last evaluated: 2025-01-01. Review status: criteria provided, single submitter. Criteria: CeGaT Center For Human Genetics Tuebingen Variant Classification Criteria Version 2. Collection method: clinical testing. Allele origin: germline. Affected: yes. Observed: 1 variant allele.
Comment: BAZ2B: BP4, BP7

NM_013450.4(BAZ2B):c.681C>T (p.Asp227=)

Gene: BAZ2B (bromodomain adjacent to zinc finger domain 2B; minus strand). Cytogenetic location: 2q24.2.
Variant type: single nucleotide variant.
Coding change: c.681C>T on transcript NM_013450.4 (MANE Select); coding-DNA position 681, C replaced by T.
Protein change: p.Asp227=; no amino-acid change (aspartic acid 227 retained).
Molecular consequence: synonymous variant.
Genome position (GRCh38, 1-based): chr2:159,446,797, G>A on the plus strand (C>T on the coding strand, the complement: BAZ2B is on the minus strand). VCF-style: chr2-159446797-G-A. GRCh37 (hg19) VCF-style: chr2-160303308-G-A.
Other names: c.675C>T, p.Asp225= (NM_001289975.1); c.492C>T, p.Asp164= (NM_001329857.2); c.681C>T, p.Asp227= (NM_001329858.2).
Identifiers: ClinVar variation 3770906 (VCV003770906.13).
Genomic context (GRCh38, chr2:159,446,797, plus strand): 5'-TATATATAGATCTGTTATATATTAGTCCTTCCAAGTACAACTTACCTTATCTTTGATTTT[G>A]TCAACTCTAGCATCCAAAGGCTGGTTTTTGCTTTGTTCCTGATTACATTTTCGATTTCCT-3'
Protein context (NP_038478.2, residues 217-237): SKNQPLDARV[Asp227=]KIKDKKPRKK